The following is an entry in ClinVar:

NM_173660.5(DOK7):c.54+8C>T

Gene: DOK7 (docking protein 7; plus strand). Cytogenetic location: 4p16.3.
Variant type: single nucleotide variant.
Coding change: c.54+8C>T on transcript NM_173660.5 (MANE Select); 8 bases into the intron after coding-DNA position 54, C replaced by T.
Molecular consequence: intron variant.
Genome position (GRCh38, 1-based): chr4:3,463,437, C>T. VCF-style: chr4-3463437-C-T. GRCh37 (hg19) VCF-style: chr4-3465164-C-T.
Other names: p.?; c.54+8C>T (NM_001301071.2, NM_001363811.2, NM_001164673.2).
Identifiers: ClinVar variation 1035957 (VCV001035957.7), dbSNP rs577687998, ClinGen allele CA2828822.

ClinVar aggregate classification (germline): Uncertain significance. Review status: criteria provided, multiple submitters, no conflicts (2 of 4 stars). 2 submissions from 2 submitters: Uncertain significance (2). Last evaluated 2025-01-12.

Conditions:
Congenital myasthenic syndrome 10. Also called: Myasthenia, limb-girdle, familial. Identifiers: Orphanet 590, MedGen C1850792, MONDO:0009690, OMIM 254300.
Fetal akinesia deformation sequence 1 (FADS1). Also called: Fetal akinesia sequence; Pena-Shokeir syndrome type I. Identifiers: Orphanet 994, MedGen C1276035, MONDO:0100101, OMIM 208150, HP:0001989.

Allele frequency attached by ClinVar (database versions not stated): TOPMed 0.00001; gnomAD exomes 0.00005; ExAC 0.00014; 1000 Genomes Project 30x 0.00062; 1000 Genomes Project 0.00080.

Submissions (2):

Mayo Clinic Laboratories, Mayo Clinic
Classification: Uncertain significance. Last evaluated: 2025-01-12. Review status: criteria provided, single submitter. Criteria: ACMG Guidelines, 2015. Collection method: clinical testing. Allele origin: germline. Observed: 1 variant allele.
Comment: PP3, PM2_supporting

Labcorp Genetics (formerly Invitae), Labcorp
Classification: Uncertain significance for Congenital myasthenic syndrome 10; Fetal akinesia deformation sequence 1. Last evaluated: 2021-09-01. Review status: criteria provided, single submitter. Criteria: Invitae Variant Classification Sherloc (09022015). Collection method: clinical testing. Allele origin: germline.
Comment: This sequence change falls in intron 1 of the DOK7 gene. It does not directly change the encoded amino acid sequence of the DOK7 protein. While this variant is present in population databases (rs577687998), the frequency information is unreliable, as metrics indicate poor data quality at this position in the ExAC database. This variant has not been reported in the literature in individuals affected with DOK7-related conditions. Algorithms developed to predict the effect of sequence changes on RNA splicing suggest that this variant may create or strengthen a splice site. In summary, the available evidence is currently insufficient to determine the role of this variant in disease. Therefore, it has been classified as a Variant of Uncertain Significance.